The following is an entry in ClinVar:

ClinVar aggregate classification (germline): Uncertain significance (1 of 4 stars; one submission).

Submission:

GeneDx
Classification: Uncertain significance. Last evaluated: 2025-07-16. Review status: criteria provided, single submitter. Criteria: GeneDx Variant Classification Process June 2021. Collection method: clinical testing. Allele origin: germline. Affected: yes.
Comment: Not observed at significant frequency in large population cohorts (gnomAD); In silico analysis supports that this missense variant has a deleterious effect on protein structure/function; Has not been previously published as pathogenic or benign to our knowledge

NM_000702.4(ATP1A2):c.362A>T (p.Asp121Val)

Gene: ATP1A2 (ATPase Na+/K+ transporting subunit alpha 2; plus strand). Cytogenetic location: 1q23.2.
Variant type: single nucleotide variant.
Coding change: c.362A>T on transcript NM_000702.4 (MANE Select); coding-DNA position 362, A replaced by T.
Protein change: p.Asp121Val; replaces aspartic acid 121 with valine.
Molecular consequence: missense variant.
Genome position (GRCh38, 1-based): chr1:160,123,397, A>T. VCF-style: chr1-160123397-A-T. GRCh37 (hg19) VCF-style: chr1-160093187-A-T.
Other names: short protein forms D121V.
Identifiers: ClinVar variation 4686524 (VCV004686524.1).
Genomic context (GRCh38, chr1:160,123,397, plus strand): 5'-TGCTGTGGATTGGGGCTATCCTCTGCTTCCTGGCCTACGGCATCCAGGCTGCCATGGAGG[A>T]TGAACCATCCAACGACAATGTGAGCCCACACGCCCGACCCGGGAACAGCCCGTGACTGTC-3'
Protein context (NP_000693.1, residues 111-131): LAYGIQAAME[Asp121Val]EPSNDNLYLG